The following is an entry in ClinVar:

ClinVar aggregate classification (germline): Uncertain significance. Review status: criteria provided, multiple submitters, no conflicts (2 of 4 stars). 2 submissions from 2 submitters: Uncertain significance (2). Last evaluated 2023-09-13.

Conditions:
Hereditary nonpolyposis colorectal neoplasms. Identifiers: MedGen C0009405, MeSH D003123.
Hereditary cancer-predisposing syndrome. Also called: Hereditary neoplastic syndrome; Tumor predisposition; Neoplastic Syndromes, Hereditary; Hereditary Cancer Syndrome. Identifiers: Orphanet 140162, MedGen C0027672, MeSH D009386, MONDO:0015356.

gnomAD v4.1: 2 of 1,600,204 alleles (0.00012%); highest among the groups gnomAD compares: Non-Finnish European, 0.00017%; no homozygotes.

Submissions (2):

Ambry Genetics
Classification: Uncertain significance for Hereditary cancer-predisposing syndrome. Last evaluated: 2023-09-13. Review status: criteria provided, single submitter. Criteria: Ambry Variant Classification Scheme 2023. Collection method: clinical testing. Allele origin: germline.
Comment: The p.D47N variant (also known as c.139G>A), located in coding exon 1 of the MSH6 gene, results from a G to A substitution at nucleotide position 139. The aspartic acid at codon 47 is replaced by asparagine, an amino acid with highly similar properties. This amino acid position is not well conserved in available vertebrate species. In addition, this alteration is predicted to be tolerated by in silico analysis. Since supporting evidence is limited at this time, the clinical significance of this alteration remains unclear.

Labcorp Genetics (formerly Invitae), Labcorp
Classification: Uncertain significance for Hereditary nonpolyposis colorectal neoplasms. Last evaluated: 2022-04-07. Review status: criteria provided, single submitter. Criteria: Invitae Variant Classification Sherloc (09022015). Collection method: clinical testing. Allele origin: germline.
Comment: This sequence change replaces aspartic acid, which is acidic and polar, with asparagine, which is neutral and polar, at codon 47 of the MSH6 protein (p.Asp47Asn). This variant is not present in population databases (gnomAD no frequency). This variant has not been reported in the literature in individuals affected with MSH6-related conditions. Advanced modeling of protein sequence and biophysical properties (such as structural, functional, and spatial information, amino acid conservation, physicochemical variation, residue mobility, and thermodynamic stability) performed at Invitae indicates that this missense variant is not expected to disrupt MSH6 protein function. In summary, the available evidence is currently insufficient to determine the role of this variant in disease. Therefore, it has been classified as a Variant of Uncertain Significance.

NM_000179.3(MSH6):c.139G>A (p.Asp47Asn)

Gene: MSH6 (mutS homolog 6; plus strand). Cytogenetic location: 2p16.3.
Variant type: single nucleotide variant.
Coding change: c.139G>A on transcript NM_000179.3 (MANE Select); coding-DNA position 139, G replaced by A.
Protein change: p.Asp47Asn; replaces aspartic acid 47 with asparagine.
Molecular consequence: missense variant. On other transcripts: 5 prime UTR variant (1).
Genome position (GRCh38, 1-based): chr2:47,783,372, G>A. VCF-style: chr2-47783372-G-A. GRCh37 (hg19) VCF-style: chr2-48010511-G-A.
Other names: c.139G>A, p.Asp47Asn (NM_001281492.2); c.-598G>A (NM_001281493.2); short protein forms D47N.
Identifiers: ClinVar variation 1348298 (VCV001348298.9), dbSNP rs2103938286, ClinGen allele CA346734911.